The following is an entry in ClinVar:

ClinVar aggregate classification (germline): Likely pathogenic (1 of 4 stars; one submission).

Conditions:
Glycine encephalopathy. Also called: Nonketotic hyperglycinemia; Non-ketotic hyperglycinemia. Identifiers: Orphanet 407, MedGen C0751748, MONDO:0011612, HP:0008288.

Submission:

Natera, Inc.
Classification: Likely pathogenic for Non-ketotic hyperglycinemia. Last evaluated: 2024-05-21. Review status: criteria provided, single submitter. Criteria: Natera Variant Classification Schema (03/2026). Collection method: clinical testing. Allele origin: germline.
Comment: The c.423T>G variant in AMT is a nonsense variant predicted to introduce a stop codon at amino acid 141. This variant is expected to result in nonsense mediated decay, truncation, or a dysfunctional protein product. This variant is rare in the general population with a frequency below the threshold expected for the associated phenotype(s). Given the available evidence, this variant is classified as Likely Pathogenic.

NM_000481.4(AMT):c.423T>G (p.Tyr141Ter)

Gene: AMT (aminomethyltransferase; minus strand). Cytogenetic location: 3p21.31.
Variant type: single nucleotide variant.
Coding change: c.423T>G on transcript NM_000481.4 (MANE Select); coding-DNA position 423, T replaced by G.
Protein change: p.Tyr141Ter; replaces tyrosine 141 with a stop codon.
Molecular consequence: nonsense. On other transcripts: non-coding transcript variant (1), intron variant (1).
Genome position (GRCh38, 1-based): chr3:49,420,259, A>C on the plus strand (T>G on the coding strand, the complement: AMT is on the minus strand). VCF-style: chr3-49420259-A-C. GRCh37 (hg19) VCF-style: chr3-49457692-A-C.
Other names: c.255T>G, p.Tyr85Ter (NM_001164711.2); c.423T>G, p.Tyr141Ter (NM_001164712.2); c.340-471T>G (NM_001164710.2); short protein forms Y141*, Y85*.
Identifiers: ClinVar variation 4818426 (VCV004818426.1).
Genomic context (GRCh38, chr3:49,420,259, plus strand): 5'-GAGGGGGTATACCTGCATGAGGGCCAAATCTTTCTCCCAGCAGCCAGCGTTGGACACCAC[A>C]TACAGGTGGCCCTCAGAAGTATTGGTTACAATCAAGTCATCTAAGATGCCTCCAGCCTCG-3'